The following is an entry in ClinVar:

ClinVar aggregate classification (germline): Uncertain significance. Review status: criteria provided, multiple submitters, no conflicts (2 of 4 stars). 4 submissions from 4 submitters: Uncertain significance (4). Last evaluated 2025-10-01.

Conditions:
Charcot-Marie-Tooth disease type 2. Also called: Charcot-Marie-Tooth type 2. Identifiers: Orphanet 64746, MedGen C0270914, MONDO:0018993.

Allele frequency attached by ClinVar (database versions not stated): gnomAD exomes 0.00001; gnomAD 0.00003 and 0.00004; TOPMed 0.00003.
gnomAD v4.1: 15 of 1,614,080 alleles (0.00093%); highest among the groups gnomAD compares: East Asian, 0.0022%; no homozygotes.

Submissions (4):

GeneDx
Classification: Uncertain significance. Last evaluated: 2025-10-01. Review status: criteria provided, single submitter. Criteria: GeneDx Variant Classification Process June 2021. Collection method: clinical testing. Allele origin: germline.
Comment: Reported as heterozygous in individuals with a clinical diagnosis of Charcot-Marie-Tooth disease (PMID: 25614874, 32376792); Not observed at significant frequency in large population cohorts (gnomAD); In silico analysis supports that this missense variant has a deleterious effect on protein structure/function; This variant is associated with the following publications: (PMID: 25614874, 32376792)

CeGaT Center for Human Genetics Tuebingen
Classification: Uncertain significance. Last evaluated: 2023-06-01. Review status: criteria provided, single submitter. Criteria: CeGaT Center For Human Genetics Tuebingen Variant Classification Criteria Version 2. Collection method: clinical testing. Allele origin: germline. Affected: yes. Observed: 1 variant allele.
Comment: GARS1: PM2:Supporting, PP3

Labcorp Genetics (formerly Invitae), Labcorp
Classification: Uncertain significance for Charcot-Marie-Tooth disease type 2. Last evaluated: 2023-02-21. Review status: criteria provided, single submitter. Criteria: Invitae Variant Classification Sherloc (09022015). Collection method: clinical testing. Allele origin: germline.
Comment: ClinVar contains an entry for this variant (Variation ID: 938098). In summary, the available evidence is currently insufficient to determine the role of this variant in disease. Therefore, it has been classified as a Variant of Uncertain Significance. Advanced modeling of protein sequence and biophysical properties (such as structural, functional, and spatial information, amino acid conservation, physicochemical variation, residue mobility, and thermodynamic stability) has been performed at Invitae for this missense variant, however the output from this modeling did not meet the statistical confidence thresholds required to predict the impact of this variant on GARS protein function. This missense change has been observed in individual(s) with clinical features of GARS-related conditions (PMID: 25614874, 32376792). This variant is not present in population databases (gnomAD no frequency). This sequence change replaces isoleucine, which is neutral and non-polar, with threonine, which is neutral and polar, at codon 664 of the GARS protein (p.Ile664Thr).

Athena Diagnostics
Classification: Uncertain significance. Last evaluated: 2022-07-13. Review status: criteria provided, single submitter. Criteria: Athena Diagnostics Criteria. Collection method: clinical testing. Allele origin: unknown.

Literature cited by the submitters: PubMed 25614874 (cited by Labcorp Genetics (formerly Invitae), Labcorp and Athena Diagnostics); PubMed 32376792 (cited by Labcorp Genetics (formerly Invitae), Labcorp).

NM_002047.4(GARS1):c.1991T>C (p.Ile664Thr)

Gene: GARS1 (glycyl-tRNA synthetase 1; plus strand). Cytogenetic location: 7p14.3.
Variant type: single nucleotide variant.
Coding change: c.1991T>C on transcript NM_002047.4 (MANE Select); coding-DNA position 1991, T replaced by C.
Protein change: p.Ile664Thr; replaces isoleucine 664 with threonine.
Molecular consequence: missense variant.
Genome position (GRCh38, 1-based): chr7:30,632,334, T>C. VCF-style: chr7-30632334-T-C. GRCh37 (hg19) VCF-style: chr7-30671950-T-C.
Other names: c.1829T>C, p.Ile610Thr (NM_001316772.1); short protein forms I664T, I610T.
Identifiers: ClinVar variation 938098 (VCV000938098.40), dbSNP rs1064797334, ClinGen allele CA367130658.